The following is an entry in ClinVar:

ClinVar aggregate classification (germline): Likely pathogenic (1 of 4 stars; one submission).

Conditions:
Familial intrahepatic cholestasis. Identifiers: Orphanet 284385, MedGen CN296401, MONDO:0017290.

Submission:

Genomenon, Inc
Classification: Likely pathogenic for Familial intrahepatic cholestasis. Last evaluated: 2026-04-14. Review status: criteria provided, single submitter. Criteria: Genomenon Sequence Variant Interpretation Standards - Updated. Collection method: curation. Allele origin: germline. Affected: yes.
Comment: ABCB11 p.Ser32Ter (c.95C>G) is a nonsense variant that introduces a premature stop codon at amino acid position 32, creating a truncated protein that may be subject to nonsense-mediated mRNA decay. This variant has been observed in at least one individual with transient neonatal cholestasis (PMID:32808743). It is absent or not present at a significant frequency in gnomAD. In conclusion, we classify ABCB11 p.Ser32Ter (c.95C>G) as a likely pathogenic variant.

Literature cited by the submitters: PubMed 32808743.

NM_003742.4(ABCB11):c.95C>G (p.Ser32Ter)

Gene: ABCB11 (ATP binding cassette subfamily B member 11; minus strand). Cytogenetic location: 2q31.1.
Variant type: single nucleotide variant.
Coding change: c.95C>G on transcript NM_003742.4 (MANE Select); coding-DNA position 95, C replaced by G.
Protein change: p.Ser32Ter; replaces serine 32 with a stop codon.
Molecular consequence: nonsense.
Genome position (GRCh38, 1-based): chr2:169,016,781, G>C on the plus strand (C>G on the coding strand, the complement: ABCB11 is on the minus strand). VCF-style: chr2-169016781-G-C. GRCh37 (hg19) VCF-style: chr2-169873291-G-C.
Other names: short protein forms S32*.
Identifiers: ClinVar variation 4846174 (VCV004846174.1).